The following is an entry in ClinVar:

ClinVar aggregate classification (germline): Uncertain significance. Review status: criteria provided, multiple submitters, no conflicts (2 of 4 stars). 2 submissions from 2 submitters: Uncertain significance (2). Last evaluated 2024-11-13.

Conditions:
Inborn genetic diseases. Identifiers: MedGen C0950123, MeSH D030342.
Hereditary spastic paraplegia 75. Also called: Spastic paraplegia 75, autosomal recessive. Identifiers: Orphanet 459056, MedGen C4225250, MONDO:0014729, OMIM 616680.

Allele frequency attached by ClinVar (database versions not stated): TOPMed below 0.00001.

Submissions (2):

Ambry Genetics
Classification: Uncertain significance for Inborn genetic diseases. Last evaluated: 2024-11-13. Review status: criteria provided, single submitter. Criteria: Ambry Variant Classification Scheme 2023. Collection method: clinical testing. Allele origin: germline.

Labcorp Genetics (formerly Invitae), Labcorp
Classification: Uncertain significance for Hereditary spastic paraplegia 75. Last evaluated: 2021-04-15. Review status: criteria provided, single submitter. Criteria: Invitae Variant Classification Sherloc (09022015). Collection method: clinical testing. Allele origin: germline.
Comment: Algorithms developed to predict the effect of missense changes on protein structure and function do not agree on the potential impact of this missense change (SIFT: "Deleterious"; PolyPhen-2: "Possibly Damaging"; Align-GVGD: "Class C0"). This sequence change replaces arginine with leucine at codon 316 of the MAG protein (p.Arg316Leu). The arginine residue is moderately conserved and there is a moderate physicochemical difference between arginine and leucine. This variant is not present in population databases (ExAC no frequency). This variant has not been reported in the literature in individuals with MAG-related disease. In summary, the available evidence is currently insufficient to determine the role of this variant in disease. Therefore, it has been classified as a Variant of Uncertain Significance.

NM_002361.4(MAG):c.947G>T (p.Arg316Leu)

Gene: MAG (myelin associated glycoprotein; plus strand). Cytogenetic location: 19q13.12.
Variant type: single nucleotide variant.
Coding change: c.947G>T on transcript NM_002361.4 (MANE Select); coding-DNA position 947, G replaced by T.
Protein change: p.Arg316Leu; replaces arginine 316 with leucine.
Molecular consequence: missense variant.
Genome position (GRCh38, 1-based): chr19:35,300,381, G>T. VCF-style: chr19-35300381-G-T. GRCh37 (hg19) VCF-style: chr19-35791284-G-T.
Other names: c.872G>T, p.Arg291Leu (NM_001199216.2); c.947G>T, p.Arg316Leu (NM_080600.3); short protein forms R316L, R291L.
Identifiers: ClinVar variation 542301 (VCV000542301.9), dbSNP rs370453303, ClinGen allele CA405311413.
Genomic context (GRCh38, chr19:35,300,381, plus strand): 5'-CCCCCGCCGAAGACGGCGTCTATGCCTGCCTGGCCGAGAATGCCTATGGCCAGGACAACC[G>T]CACCGTGGGGCTCAGTGTCATGTGTGAGTGGCCCACTCTGTGCGTCCACACGCCCACCTG-3'
Protein context (NP_002352.1, residues 306-326): LAENAYGQDN[Arg316Leu]TVGLSVMYAP